The following is an entry in ClinVar:

ClinVar aggregate classification (germline): Conflicting classifications of pathogenicity; drug response. Review status: reviewed by expert panel (3 of 4 stars). 24 submissions from 18 submitters: Pathogenic (1); Uncertain significance (1). 15 of the submissions do not count toward it. Last evaluated 2025-08-01.

Conditions:
Rare neuromuscular disorders.
RYR1-related disorder. Also called: RYR1-related disorders; RYR1-related condition. Identifiers: MedGen CN239331.
RYR1-related myopathy. Identifiers: Orphanet 98742, MedGen CN305348, MONDO:0100150.
Malignant hyperthermia of anesthesia. Also called: Anesthesic-triggered malignant hyperthermia. Identifiers: Orphanet 423, MedGen C0024591, MONDO:0018493, HP:0034733.
Malignant hyperthermia, susceptibility to, 1 (MHS1). Also called: Malignant hyperthermia suceptibility 1; RYR1-Related Malignant Hyperthermia Susceptibility; Anesthesia related hyperthermia; Malignant hyperpyrexia; Fulminating hyperpyrexia; Pharmacogenic myopathy. Identifiers: Orphanet 423, MedGen C2930980, MONDO:0007783, OMIM 145600.
Central core myopathy (CMYO1A). Also called: CONGENITAL MYOPATHY 1A, AUTOSOMAL DOMINANT, WITH SUSCEPTIBILITY TO MALIGNANT HYPERTHERMIA; Central core disease; Myopathy, central fibrillar. Identifiers: Orphanet 597, MedGen C5830701, MONDO:0007294, OMIM 117000.
succinylcholine response - Toxicity.
sevoflurane response - Toxicity.
isoflurane response - Toxicity.
methoxyflurane response - Toxicity.
halothane response - Toxicity.
enflurane response - Toxicity.
desflurane response - Toxicity.

Allele frequency attached by ClinVar (database versions not stated): gnomAD exomes below 0.00001.
gnomAD v4.1: 1 of 1,614,106 alleles (0.000062%); highest among the groups gnomAD compares: Non-Finnish European, 0.000085%; no homozygotes.

Submissions 1 to 10 of 24:

ClinGen Malignant Hyperthermia Susceptibility Variant Curation Expert Panel, ClinGen
Classification: Uncertain significance for Malignant hyperthermia, susceptibility to, 1. Last evaluated: 2025-08-01. Review status: reviewed by expert panel. Criteria: RYR1-MHS Interpretation Guidelines V2. Collection method: curation. Allele origin: germline. Inheritance: Autosomal dominant inheritance.
Comment: This variant has strong evidence towards pathogenicity as a myopathy variant and this pathogenicity assessment is relevant only for malignant hyperthermia susceptibility (MHS) inherited in an autosomal dominant pattern. Variants in RYR1 can also cause other myopathies inherited in an autosomal dominant pattern or in an autosomal recessive pattern. Some of these disorders may predispose individuals to malignant hyperthermia. RYR1 variants may also contribute to a malignant hyperthermia reaction in combination with other genetic and non-genetic factors and the clinician needs to consider such factors in making management decisions. This sequence variant predicts a substitution of arginine with histidine at codon 4861 of the RYR1 protein, p.(Arg4861His). This variant was not present in a large population database (gnomAD) at the time this variant was interpreted. This variant has been reported in an individual with a personal or family history of an MH episode and a positive in vitro contracture test (IVCT) or caffeine halothane contracture test (CHCT) result (if the proband was unavailable for testing, a positive diagnostic test result in a mutation-positive relative was counted), PS4_Supporting (PMID: 23558838). This variant has also been identified in two individuals with negative IVCT/CHCT results, BS2 (The UK (Leeds) MH Unit). Functional studies in HEK293 cells show an increased sensitivity to RYR1 agonists, PS3_Moderate (PMID: 30236257). Additionally, a functional study in patient myotubes showed increased resting calcium and increased ECCE compared to controls (PMID: 21088110). This variant resides in a region of RYR1 considered to be a hotspot for pathogenic variants that contribute to MHS, PM1_Sup (PMID: 21118704). A REVEL score >0.85 (0.912) supports a pathogenic status for this variant, PP3_Moderate. This variant has been classified as a Variant of Unknown Significance in relation to MHS. Criteria implemented: PS3_Moderate, PS4_Supporting, PM1_Supporting, PP3_Moderate, BS2.

ClinGen Congenital Myopathies Variant Curation Expert Panel, ClinGen
Classification: Pathogenic for RYR1-related myopathy. Last evaluated: 2024-08-27. Review status: reviewed by expert panel. Criteria: ClinGen CongenMyopathy ACMG Specifications RYR1 AD V2.0.0. Collection method: curation. Allele origin: germline. Inheritance: Autosomal dominant inheritance.
Comment: The NM_000540.3:c.14582G>A variant in RYR1 is a missense variant predicted to cause substitution of arginine by histidine at amino acid 4861 (p.Arg4861His). The highest population minor allele frequency in gnomAD v4.1 is 0.0000008475 (1/1180004 alleles) in the European (non-Finnish) population, which is lower than the ClinGen Congenital Myopathies VCEP threshold (absent with 1 allele allowed) for PM2_Supporting, meeting this criterion (PM2_Supporting). The REVEL computational prediction analysis tool gives a score of 0.912, which is above the threshold necessary to apply PP3. Four different missense variants, c.14581C>A (p.Arg4861Ser), c.14581C>G (p.Arg4861Gly), c.14581C>T (p.Arg4861Cys), c.14582G>C (p.Arg4861Pro) (ClinVar IDs: 2027376, 943431, 65986, 1066439), in the same codon have been classified as pathogenic/likely pathogenic for RYR1-related myopathy (PM5). This variant has been reported in at least five probands with RYR1-related myopathy which meets the criteria for PS4, two of which were confirmed to be de novo occurrences meeting PS2 (PMIDs:11709545, 35428369, 35081925). The variant has also been reported to segregate in one affected sibling from a family (PP1, PMID:11709545). Calcium homeostasis analysis of immortalized B-lymphocytes from patients showed significantly smaller thapsigargin-sensitive intracellular calcium stores, compared to lymphoblasts from control individuals, indicating that this variant may impact protein function (PS3_Supporting, PMID:11741831). In summary, the variant meets the criteria to be classified as pathogenic for autosomal dominant RYR1-related myopathy. ACMG/AMP criteria met, as specified by the ClinGen Congenital Myopathies VCEP: PS4, PS2, PS3_Supporting, PM5, PM2_Supporting, PP1, PP3 (ClinGen Congenital Myopathies VCEP specifications version 2; 8/27/2024).

ClinPGx
Classification: drug response for desflurane response - Toxicity. Last evaluated: 2021-03-24. Review status: reviewed by expert panel. Criteria: Pharmacogenomics knowledge for personalized medicine. Collection method: curation. Allele origin: germline. Affected: yes.
Comment: PharmGKB Level of Evidence 1A: Level 1A clinical annotations describe variant-drug combinations that have variant-specific prescribing guidance available in a current clinical guideline annotation or an FDA-approved drug label annotation. Annotations of drug labels or clinical guidelines must give prescribing guidance for specific variants (e.g. CYP2C9*3, HLA-B*57:01) or provide mapping from defined allele functions to diplotypes and phenotypes to be used as supporting evidence for a level 1A clinical annotation. Level 1A clinical annotations must also be supported by at least one publication in addition to a clinical guideline or drug label with variant-specific prescribing guidance.

Drug is not necessarily used to treat response condition

ClinPGx
Classification: drug response for enflurane response - Toxicity. Last evaluated: 2021-03-24. Review status: reviewed by expert panel. Criteria: Pharmacogenomics knowledge for personalized medicine. Collection method: curation. Allele origin: germline. Affected: yes.
Comment: the same text as in the submission from ClinPGx above.

ClinPGx
Classification: drug response for halothane response - Toxicity. Last evaluated: 2021-03-24. Review status: reviewed by expert panel. Criteria: Pharmacogenomics knowledge for personalized medicine. Collection method: curation. Allele origin: germline. Affected: yes.
Comment: the same text as in the submission from ClinPGx above.

ClinPGx
Classification: drug response for isoflurane response - Toxicity. Last evaluated: 2021-03-24. Review status: reviewed by expert panel. Criteria: Pharmacogenomics knowledge for personalized medicine. Collection method: curation. Allele origin: germline. Affected: yes.
Comment: the same text as in the submission from ClinPGx above.

ClinPGx
Classification: drug response for methoxyflurane response - Toxicity. Last evaluated: 2021-03-24. Review status: reviewed by expert panel. Criteria: Pharmacogenomics knowledge for personalized medicine. Collection method: curation. Allele origin: germline. Affected: yes.
Comment: the same text as in the submission from ClinPGx above.

ClinPGx
Classification: drug response for sevoflurane response - Toxicity. Last evaluated: 2021-03-24. Review status: reviewed by expert panel. Criteria: Pharmacogenomics knowledge for personalized medicine. Collection method: curation. Allele origin: germline. Affected: yes.
Comment: the same text as in the submission from ClinPGx above.

ClinPGx
Classification: drug response for succinylcholine response - Toxicity. Last evaluated: 2021-03-24. Review status: reviewed by expert panel. Criteria: Pharmacogenomics knowledge for personalized medicine. Collection method: curation. Allele origin: germline. Affected: yes.
Comment: the same text as in the submission from ClinPGx above.

CeGaT Center for Human Genetics Tuebingen
Classification: Pathogenic. Last evaluated: 2026-06-01. Review status: criteria provided, single submitter. Criteria: CeGaT Center For Human Genetics Tuebingen Variant Classification Criteria Version 2. Collection method: clinical testing. Allele origin: germline. Affected: yes. Observed: 2 variant alleles. Not counted in ClinVar's aggregate classification.
Comment: RYR1: PS4, PM1, PM2, PM5, PP3, PS3:Supporting

NM_000540.3(RYR1):c.14582G>A (p.Arg4861His)

Gene: RYR1 (ryanodine receptor 1; plus strand). Cytogenetic location: 19q13.2.
Variant type: single nucleotide variant.
Coding change: c.14582G>A on transcript NM_000540.3 (MANE Select); coding-DNA position 14582, G replaced by A.
Protein change: p.Arg4861His; replaces arginine 4861 with histidine.
Molecular consequence: missense variant.
Genome position (GRCh38, 1-based): chr19:38,580,440, G>A. VCF-style: chr19-38580440-G-A. GRCh37 (hg19) VCF-style: chr19-39071080-G-A.
Other names: NM_000540.3(RYR1):c.14582G>A; c.14567G>A, p.Arg4856His (NM_001042723.2); short protein forms R4861H, R4856H.
Identifiers: ClinVar variation 12982 (VCV000012982.73), dbSNP rs63749869, ClinGen allele CA024187.